The following is an entry in ClinVar:

NM_001365951.3(KIF1B):c.2747C>G (p.Ala916Gly)

Genes: KIF1B (kinesin family member 1B; plus strand), LOC126805614 (BRD4-independent group 4 enhancer GRCh37_chr1:10385546-10386745; plus strand). Cytogenetic location: 1p36.22.
Variant type: single nucleotide variant.
Coding change: c.2747C>G on transcript NM_001365951.3 (MANE Select); coding-DNA position 2747, C replaced by G.
Protein change: p.Ala916Gly; replaces alanine 916 with glycine.
Molecular consequence: missense variant.
Genome position (GRCh38, 1-based): chr1:10,326,182, C>G. VCF-style: chr1-10326182-C-G. GRCh37 (hg19) VCF-style: chr1-10386240-C-G.
Other names: c.2747C>G, p.Ala916Gly (NM_001365952.1); c.2609C>G, p.Ala870Gly (NM_015074.3); short protein forms A870G, A916G.
Identifiers: ClinVar variation 3226408 (VCV003226408.1), dbSNP rs1569830653, ClinGen allele CA338336992.

ClinVar aggregate classification (germline): Uncertain significance (1 of 4 stars; one submission).

Submission:

Ambry Genetics
Classification: Uncertain significance. Last evaluated: 2024-01-12. Review status: criteria provided, single submitter. Criteria: Ambry Variant Classification Scheme 2023. Collection method: clinical testing. Allele origin: germline.
Comment: The p.A870G variant (also known as c.2609C>G), located in coding exon 24 of the KIF1B gene, results from a C to G substitution at nucleotide position 2609. The alanine at codon 870 is replaced by glycine, an amino acid with similar properties. This amino acid position is well conserved in available vertebrate species. In addition, this alteration is predicted to be tolerated by in silico analysis. The evidence for this gene-disease relationship is limited; therefore, the clinical significance of this alteration is unclear.